The following is an entry in ClinVar:

NM_001171993.2(HPD):c.-115+52A>G

Genes: HPD (4-hydroxyphenylpyruvate dioxygenase; minus strand), TIALD (transcript inducer of AURKA lysosomal degradation; plus strand). Cytogenetic location: 12q24.31.
Variant type: single nucleotide variant.
Coding change: c.-115+52A>G on transcript NM_001171993.2; 52 bases into the intron after 115 bases upstream of the start codon, A replaced by G.
Molecular consequence: intron variant.
Genome position (GRCh38, 1-based): chr12:121,858,873, T>C on the plus strand (A>G on the coding strand, the complement: HPD is on the minus strand). VCF-style: chr12-121858873-T-C. GRCh37 (hg19) VCF-style: chr12-122296779-T-C.
Identifiers: ClinVar variation 368981 (VCV000368981.8), dbSNP rs199549271, ClinGen allele CA6839924.

ClinVar aggregate classification (germline): Likely benign (1 of 4 stars; one submission).

Allele frequency attached by ClinVar (database versions not stated): ESP Exome Variant Server 0.00038; gnomAD 0.00192 and 0.00194; gnomAD exomes 0.00325 and 0.00078; 1000 Genomes Project 30x 0.00484; 1000 Genomes Project 0.00459; TOPMed 0.00395; ExAC 0.00241.
gnomAD v4.1: 1,491 of 1,611,830 alleles (0.093%); highest among the groups gnomAD compares: Admixed American, 2.2%; 27 homozygotes.

Submission:

GeneDx
Classification: Likely benign. Last evaluated: 2015-03-03. Review status: criteria provided, single submitter. Criteria: GeneDx Variant Classification Process June 2021. Collection method: clinical testing. Allele origin: germline. Affected: yes.
Comment: See Variant Classification Assertion Criteria.